The following is an entry in ClinVar:

NM_002576.5(PAK1):c.1427T>C (p.Ile476Thr)

Gene: PAK1 (p21 (RAC1) activated kinase 1; minus strand). Cytogenetic location: 11q13.5.
Variant type: single nucleotide variant.
Coding change: c.1427T>C on transcript NM_002576.5 (MANE Select); coding-DNA position 1427, T replaced by C.
Protein change: p.Ile476Thr; replaces isoleucine 476 with threonine.
Molecular consequence: missense variant. On other transcripts: non-coding transcript variant (1), intron variant (4).
Genome position (GRCh38, 1-based): chr11:77,332,854, A>G on the plus strand (T>C on the coding strand, the complement: PAK1 is on the minus strand). VCF-style: chr11-77332854-A-G. GRCh37 (hg19) VCF-style: chr11-77043899-A-G.
Other names: c.1427T>C, p.Ile476Thr (NM_001128620.2, NM_001376268.1, NM_001376269.1 and 18 more transcripts); c.1448T>C, p.Ile483Thr (NM_001376272.1); c.1304T>C, p.Ile435Thr (NM_001376290.1, NM_001376291.1); c.1250T>C, p.Ile417Thr (NM_001376295.1); c.1178T>C, p.Ile393Thr (NM_001376301.1); c.1133T>C, p.Ile378Thr (NM_001376302.1, NM_001376304.1, NM_001376305.1); c.1139T>C, p.Ile380Thr (NM_001376303.1); c.1413+3232T>C (NM_001376293.1, NM_001376292.1, NM_001376289.1); and 2 more; short protein forms I393T, I476T, I378T, I417T, I435T, I380T, I483T.
Identifiers: ClinVar variation 807646 (VCV000807646.7), dbSNP rs1591695781, ClinGen allele CA382092449.

ClinVar aggregate classification (germline): Pathogenic/Likely pathogenic. Review status: criteria provided, multiple submitters, no conflicts (2 of 4 stars). 5 submissions from 5 submitters: Pathogenic (1); Likely pathogenic (3). 1 of the submissions does not count toward it. Last evaluated 2022-11-25.

Conditions:
Intellectual developmental disorder with macrocephaly, seizures, and speech delay. Identifiers: MedGen C4748428, MONDO:0032568, OMIM 618158.

Submissions (5):

GeneDx
Classification: Pathogenic. Last evaluated: 2022-11-25. Review status: criteria provided, single submitter. Criteria: GeneDx Variant Classification Process June 2021. Collection method: clinical testing. Allele origin: germline. Affected: yes.
Comment: Not observed at significant frequency in large population cohorts (gnomAD); In silico analysis supports that this missense variant has a deleterious effect on protein structure/function; This variant is associated with the following publications: (PMID: 33098801, 33619735)

Centre of Medical Genetics, University Hospital Muenster
Classification: Likely pathogenic. Last evaluated: 2022-08-18. Review status: criteria provided, single submitter. Criteria: ACMG Guidelines, 2015. Collection method: clinical testing. Allele origin: de novo. Affected: yes. Observed: 1 variant allele, 1 heterozygote.
Comment: ACMG categories: PS2,PM2,PP3

Laboratoire de Génétique Moléculaire, CHU Bordeaux
Classification: Likely pathogenic for Intellectual developmental disorder with macrocephaly, seizures, and speech delay. Last evaluated: 2021-08-05. Review status: criteria provided, single submitter. Criteria: ACMG Guidelines, 2015. Collection method: clinical testing. Allele origin: germline. Affected: yes.

Institute of Human Genetics Munich, TUM University Hospital
Classification: Likely pathogenic for Intellectual developmental disorder with macrocephaly, seizures, and speech delay. Last evaluated: 2019-05-08. Review status: criteria provided, single submitter. Criteria: Classification criteria August 2017. Collection method: clinical testing. Allele origin: de novo. Inheritance: Autosomal dominant inheritance. Affected: yes. Observed: 1 heterozygote.

Pediatric Neurology, Shengjing Hospital of China Medical University
Classification: Likely pathogenic for Intellectual developmental disorder with macrocephaly, seizures, and speech delay. Review status: no assertion criteria provided. Collection method: clinical testing. Allele origin: de novo. Inheritance: Autosomal dominant inheritance. Affected: yes. Observed: 1 heterozygote. Not counted in ClinVar's aggregate classification.

Literature cited by the submitters: PubMed 33098801 (cited by Pediatric Neurology, Shengjing Hospital of China Medical University).